The following is an entry in ClinVar:

NM_000218.3(KCNQ1):c.1556G>A (p.Arg519His)

Gene: KCNQ1 (potassium voltage-gated channel subfamily Q member 1; plus strand). Cytogenetic location: 11p15.5.
Variant type: single nucleotide variant.
Coding change: c.1556G>A on transcript NM_000218.3 (MANE Select); coding-DNA position 1556, G replaced by A.
Protein change: p.Arg519His; replaces arginine 519 with histidine.
Molecular consequence: missense variant.
Genome position (GRCh38, 1-based): chr11:2,768,885, G>A. VCF-style: chr11-2768885-G-A. GRCh37 (hg19) VCF-style: chr11-2790115-G-A.
Other names: c.1460G>A, p.Arg487His (NM_001406836.1); c.1286G>A, p.Arg429His (NM_001406837.1); c.1016G>A, p.Arg339His (NM_001406838.1); c.1175G>A, p.Arg392His (NM_181798.2); c.1556G>A (LRG_287t1); short protein forms R519H, R392H, R429H, R339H, R487H.
Identifiers: ClinVar variation 67038 (VCV000067038.31), dbSNP rs199472788, ClinGen allele CA005923.

ClinVar aggregate classification (germline): Conflicting classifications of pathogenicity. Review status: criteria provided, conflicting classifications (1 of 4 stars). 13 submissions from 10 submitters: Uncertain significance (11); Likely benign (1). 1 of the submissions does not count toward it. Last evaluated 2025-12-09.

Conditions:
Cardiac arrhythmia. Also called: Arrhythmia; Cardiac rhythm disease. Identifiers: MedGen C0003811, MONDO:0007263, HP:0011675.
Long QT syndrome (LQTS). Identifiers: MedGen C0023976, MeSH D008133, MONDO:0002442. Disease mechanism: loss of function. Inheritance: Various modes of inheritance.
Short QT syndrome type 2. Identifiers: Orphanet 51083, MedGen C1865019, MONDO:0012313, OMIM 609621.
Atrial fibrillation, familial, 3 (ATFB3). Identifiers: MedGen C1837014, MONDO:0011857, OMIM 607554.
Jervell and Lange-Nielsen syndrome 1 (JLNS1). Also called: DEAFNESS, CONGENITAL, AND FUNCTIONAL HEART DISEASE; PROLONGED QT INTERVAL IN EKG AND SUDDEN DEATH; SURDO-CARDIAC SYNDROME; CARDIOAUDITORY SYNDROME OF JERVELL AND LANGE-NIELSEN. Identifiers: Orphanet 768, Orphanet 90647, MedGen C4551509, MONDO:0024540, OMIM 220400.
Cardiovascular phenotype. Identifiers: MedGen CN230736.
KCNQ1-related disorder. Also called: KCNQ1-related condition; KCNQ1-related disorders. Identifiers: MedGen CN239322.
Long QT syndrome 1 (LQT1). Identifiers: Orphanet 101016, Orphanet 768, MedGen C4551647, MONDO:0100316, OMIM 192500, MONDO:0008646.

Allele frequency attached by ClinVar (database versions not stated): gnomAD 0.00001; TOPMed 0.00001; gnomAD exomes 0.00002 and 0.00003; ExAC 0.00003.
gnomAD v4.1: 41 of 1,613,920 alleles (0.0025%); highest among the groups gnomAD compares: East Asian, 0.04%; no homozygotes.

Submissions (13):

Labcorp Genetics (formerly Invitae), Labcorp
Classification: Uncertain significance for Long QT syndrome. Last evaluated: 2025-12-09. Review status: criteria provided, single submitter. Criteria: Invitae Variant Classification Sherloc (09022015). Collection method: clinical testing. Allele origin: germline.
Comment: This sequence change replaces arginine, which is basic and polar, with histidine, which is basic and polar, at codon 519 of the KCNQ1 protein (p.Arg519His). This variant is present in population databases (rs199472788, gnomAD 0.006%). This missense change has been observed in individual(s) with long QT syndrome (PMID: 14661677, 19841300, 26118460, 32893267, 34930020). ClinVar contains an entry for this variant (Variation ID: 67038). Invitae Evidence Modeling of protein sequence and biophysical properties (such as structural, functional, and spatial information, amino acid conservation, physicochemical variation, residue mobility, and thermodynamic stability) has been performed for this missense variant. However, the output from this modeling did not meet the statistical confidence thresholds required to predict the impact of this variant on KCNQ1 protein function. Experimental studies have shown that this missense change affects KCNQ1 function (PMID: 34930020). In summary, the available evidence is currently insufficient to determine the role of this variant in disease. Therefore, it has been classified as a Variant of Uncertain Significance.

Color Diagnostics, LLC DBA Color Health
Classification: Uncertain significance for Cardiac arrhythmia. Last evaluated: 2025-05-20. Review status: criteria provided, single submitter. Criteria: ACMG Guidelines, 2015. Collection method: clinical testing. Allele origin: germline.
Comment: This missense variant replaces arginine with histidine at codon 519 of the KCNQ1 protein. Computational prediction suggests that this variant may have deleterious impact on protein structure and function. This variant is found within a highly conserved region of the c-terminal cytoplasmic domain. Rare nontruncating variants in this region (a.a. 509-575) have been shown to be significantly overrepresented in individuals with long QT syndrome (PMID: 32893267). A functional study has shown that this variant causes a reduction in potassium channel peak current density (PMID: 34930020). This variant has been reported in three unrelated individuals affected with long QT syndrome (PMID: 26118460), as well as in two healthy individuals (PMID: 19841300, 14661677). This variant has been identified in 7/282764 chromosomes in the general population by the Genome Aggregation Database (gnomAD). The available evidence is insufficient to determine the role of this variant in disease conclusively. Therefore, this variant is classified as a Variant of Uncertain Significance.

All of Us Research Program, National Institutes of Health
Classification: Uncertain significance for Long QT syndrome. Last evaluated: 2024-08-30. Review status: criteria provided, single submitter. Criteria: ACMG Guidelines, 2015. Collection method: clinical testing. Allele origin: germline. Inheritance: Autosomal dominant inheritance. Observed: 7 variant alleles, 7 heterozygotes.
Comment: This missense variant replaces arginine with histidine at codon 519 of the KCNQ1 protein. Computational prediction suggests that this variant may have deleterious impact on protein structure and function (internally defined REVEL score threshold >= 0.7, PMID: 27666373). This variant is found within a highly conserved region of the c-terminal cytoplasmic domain. Rare nontruncating variants in this region (a.a. 509-575) have been shown to be significantly overrepresented in individuals with long QT syndrome (PMID: 32893267). A functional study has shown that this variant causes a reduction in channel peak current density in transfected cells (PMID: 34930020). This variant has been reported in three unrelated individuals affected with long QT syndrome (PMID: 26118460), as well as in two healthy individuals (PMID: 19841300, 14661677). This variant has been identified in 7/282764 chromosomes in the general population by the Genome Aggregation Database (gnomAD). Although there is a suspicion for a pathogenic role, the available evidence is insufficient to determine the role of this variant in disease conclusively. Therefore, this variant is classified as a Variant of Uncertain Significance.

This study involves interpretation of variants in research participants for the purpose of population health screening. Participant phenotype was not available at the time of variant classification. Additional details can be found in publication PMID: 35346344, PMCID: PMC8962531

Blueprint Genetics
Classification: Uncertain significance. Last evaluated: 2024-06-21. Review status: criteria provided, single submitter. Criteria: ACMG Guidelines, 2015. Collection method: clinical testing. Allele origin: germline.

PreventionGenetics, part of Exact Sciences
Classification: Uncertain significance for KCNQ1-related condition. Last evaluated: 2023-07-11. Review status: criteria provided, single submitter. Criteria: ACMG Guidelines, 2015. Collection method: clinical testing. Allele origin: germline.
Comment: The KCNQ1 c.1556G>A variant is predicted to result in the amino acid substitution p.Arg519His. This variant was reported in an individual with long QT syndrome (Itoh et al 2015. PubMed ID: 26118460). This variant is reported in 0.0065% of alleles in individuals of South Asian descent in gnomAD. At this time, the clinical significance of this variant is uncertain due to the absence of conclusive functional and genetic evidence.

Mendelics
Classification: Uncertain significance for Long QT syndrome 1. Last evaluated: 2023-06-02. Review status: criteria provided, single submitter. Criteria: Mendelics Assertion Criteria 2017. Collection method: clinical testing. Allele origin: unknown.

Ambry Genetics
Classification: Uncertain significance for Cardiovascular phenotype. Last evaluated: 2022-03-15. Review status: criteria provided, single submitter. Criteria: Ambry Variant Classification Scheme 2023. Collection method: clinical testing. Allele origin: germline.

Eurofins Ntd Llc (ga)
Classification: Uncertain significance. Last evaluated: 2018-08-24. Review status: criteria provided, single submitter. Criteria: EGL ClinVar v180209 classification definitions. Collection method: clinical testing. Allele origin: germline. Observed: 1 variant allele, 1 heterozygote.

Illumina Laboratory Services, Illumina
Classification: Likely benign for Short QT syndrome type 2. Last evaluated: 2017-08-24. Review status: criteria provided, single submitter. Criteria: ICSL Variant Classification Criteria 13 December 2019. Collection method: clinical testing. Allele origin: germline.
Comment: This variant was observed as part of a predisposition screen in an ostensibly healthy population. A literature search was performed for the gene, cDNA change, and amino acid change (where applicable). Publications were found based on this search. The evidence from the literature, in combination with allele frequency data from public databases where available, was sufficient to determine this variant is unlikely to cause disease. Therefore, this variant is classified as likely benign.

Illumina Laboratory Services, Illumina
Classification: Uncertain significance for Jervell and Lange-Nielsen syndrome 1. Last evaluated: 2017-08-24. Review status: criteria provided, single submitter. Criteria: ICSL Variant Classification Criteria 13 December 2019. Collection method: clinical testing. Allele origin: germline.
Comment: This variant was observed as part of a predisposition screen in an ostensibly healthy population. A literature search was performed for the gene, cDNA change, and amino acid change (where applicable). Publications were found based on this search. However, the evidence from the literature, in combination with allele frequency data from public databases where available, was not sufficient to rule this variant in or out of causing disease. Therefore, this variant is classified as a variant of unknown significance.

Illumina Laboratory Services, Illumina
Classification: Uncertain significance for Atrial fibrillation, familial, 3. Last evaluated: 2017-08-24. Review status: criteria provided, single submitter. Criteria: ICSL Variant Classification Criteria 13 December 2019. Collection method: clinical testing. Allele origin: germline.
Comment: the same text as in the submission from Illumina Laboratory Services, Illumina above.

Illumina Laboratory Services, Illumina
Classification: Uncertain significance for Long QT syndrome 1. Last evaluated: 2017-08-24. Review status: criteria provided, single submitter. Criteria: ICSL Variant Classification Criteria 13 December 2019. Collection method: clinical testing. Allele origin: germline.
Comment: the same text as in the submission from Illumina Laboratory Services, Illumina above.

Cardiovascular Biomedical Research Unit, Royal Brompton & Harefield NHS Foundation Trust
No classification provided. Review status: no classification provided. Collection method: literature only. Allele origin: germline. Not counted in ClinVar's aggregate classification.
Comment: This variant has been reported in the following publications (PMID:14661677;PMID:19841300).

Literature cited by the submitters: PubMed 14661677 (cited by 5 submitters); PubMed 19841300 (cited by 5 submitters); PubMed 26118460 (cited by 4 submitters); PubMed 32893267 (cited by 3 submitters); PubMed 34930020 (cited by 3 submitters); PubMed 17016049 (cited by Illumina Laboratory Services, Illumina); PubMed 22581653 (cited by Illumina Laboratory Services, Illumina and Cardiovascular Biomedical Research Unit, Royal Brompton & Harefield NHS Foundation Trust); PubMed 22947121 (cited by Illumina Laboratory Services, Illumina); PubMed 14661676 (cited by Illumina Laboratory Services, Illumina).